The following is an entry in ClinVar:

ClinVar aggregate classification (germline): Uncertain significance (1 of 4 stars; one submission).

Conditions:
Hereditary nonpolyposis colorectal neoplasms. Identifiers: MedGen C0009405, MeSH D003123.

Submission:

Labcorp Genetics (formerly Invitae), Labcorp
Classification: Uncertain significance for Hereditary nonpolyposis colorectal neoplasms. Last evaluated: 2019-03-08. Review status: criteria provided, single submitter. Criteria: Invitae Variant Classification Sherloc (09022015). Collection method: clinical testing. Allele origin: germline.
Comment: This sequence change replaces aspartic acid with glycine at codon 756 of the PMS2 protein (p.Asp756Gly). The aspartic acid residue is moderately conserved and there is a moderate physicochemical difference between aspartic acid and glycine. This variant has not been reported in the literature in individuals with PMS2-related conditions. Algorithms developed to predict the effect of missense changes on protein structure and function are either unavailable or do not agree on the potential impact of this missense change (SIFT: "Tolerated"; PolyPhen-2: "Possibly Damaging"; Align-GVGD: "Class C0"). Algorithms developed to predict the effect of sequence changes on RNA splicing suggest that this variant may create or strengthen a splice site, but this prediction has not been confirmed by published transcriptional studies. In summary, the available evidence is currently insufficient to determine the role of this variant in disease. Therefore, it has been classified as a Variant of Uncertain Significance. The frequency data for this variant in the population databases (ExAC) is considered unreliable due to the presence of homologous sequence, such as pseudogenes or paralogs, in the genome.

NM_000535.7(PMS2):c.2267A>G (p.Asp756Gly)

Gene: PMS2 (PMS1 homolog 2, mismatch repair system component; minus strand). Cytogenetic location: 7p22.1.
Variant type: single nucleotide variant.
Coding change: c.2267A>G on transcript NM_000535.7 (MANE Select); coding-DNA position 2267, A replaced by G.
Protein change: p.Asp756Gly; replaces aspartic acid 756 with glycine.
Molecular consequence: missense variant. On other transcripts: non-coding transcript variant (1).
Genome position (GRCh38, 1-based): chr7:5,978,604, T>C on the plus strand (A>G on the coding strand, the complement: PMS2 is on the minus strand). VCF-style: chr7-5978604-T-C. GRCh37 (hg19) VCF-style: chr7-6018235-T-C.
Other names: c.1862A>G, p.Asp621Gly (NM_001322003.2, NM_001322004.2, NM_001322005.2 and 1 more transcripts); c.2111A>G, p.Asp704Gly (NM_001322006.2); c.1949A>G, p.Asp650Gly (NM_001322007.2, NM_001322008.2); c.1706A>G, p.Asp569Gly (NM_001322010.2); c.1334A>G, p.Asp445Gly (NM_001322011.2, NM_001322012.2); c.1694A>G, p.Asp565Gly (NM_001322013.2); c.2267A>G, p.Asp756Gly (NM_001322014.2); c.1958A>G, p.Asp653Gly (NM_001322015.2); short protein forms D565G, D704G, D445G, D569G, D621G, D653G, D756G, D650G.
Identifiers: ClinVar variation 855211 (VCV000855211.9), dbSNP rs1554294409, ClinGen allele CA366736445.
Genomic context (GRCh38, chr7:5,978,604, plus strand): 5'-TACAGACGTGAGCCACCACACCCAGCCGCTATAGTTCTAATTAATAACTTACCATTTTCA[T>C]CGATAACAAAATCAAAGCCATTCTTTCTAAATATTTCCAGATTTTCTATCAGAACAGCTT-3'
Protein context (NP_000526.2, residues 746-766): FRKNGFDFVI[Asp756Gly]ENAPVTERAK